The following is an entry in ClinVar:

NM_014319.5(LEMD3):c.229G>A (p.Ala77Thr)

Gene: LEMD3 (LEM domain containing 3; plus strand). Cytogenetic location: 12q14.3.
Variant type: single nucleotide variant.
Coding change: c.229G>A on transcript NM_014319.5 (MANE Select); coding-DNA position 229, G replaced by A.
Protein change: p.Ala77Thr; replaces alanine 77 with threonine.
Molecular consequence: missense variant.
Genome position (GRCh38, 1-based): chr12:65,169,825, G>A. VCF-style: chr12-65169825-G-A. GRCh37 (hg19) VCF-style: chr12-65563605-G-A.
Other names: c.229G>A, p.Ala77Thr (NM_001167614.2); short protein forms A77T.
Identifiers: ClinVar variation 1407055 (VCV001407055.6), dbSNP rs1231976270, ClinGen allele CA385672178.

ClinVar aggregate classification (germline): Uncertain significance (1 of 4 stars; one submission).

Allele frequency attached by ClinVar (database versions not stated): gnomAD exomes 0.00003.

Submission:

Labcorp Genetics (formerly Invitae), Labcorp
Classification: Uncertain significance. Last evaluated: 2025-08-07. Review status: criteria provided, single submitter. Criteria: Invitae Variant Classification Sherloc (09022015). Collection method: clinical testing. Allele origin: germline.
Comment: This sequence change replaces alanine, which is neutral and non-polar, with threonine, which is neutral and polar, at codon 77 of the LEMD3 protein (p.Ala77Thr). This variant is not present in population databases (gnomAD no frequency). This variant has not been reported in the literature in individuals affected with LEMD3-related conditions. ClinVar contains an entry for this variant (Variation ID: 1407055). An algorithm developed to predict the effect of missense changes on protein structure and function (PolyPhen-2) suggests that this variant is likely to be tolerated. In summary, the available evidence is currently insufficient to determine the role of this variant in disease. Therefore, it has been classified as a Variant of Uncertain Significance.